The following is an entry in ClinVar:

NM_003185.4(TAF4):c.2113A>G (p.Thr705Ala)

Gene: TAF4 (TATA-box binding protein associated factor 4; minus strand). Cytogenetic location: 20q13.33.
Variant type: single nucleotide variant.
Coding change: c.2113A>G on transcript NM_003185.4 (MANE Select); coding-DNA position 2113, A replaced by G.
Protein change: p.Thr705Ala; replaces threonine 705 with alanine.
Molecular consequence: missense variant.
Genome position (GRCh38, 1-based): chr20:62,006,620, T>C on the plus strand (A>G on the coding strand, the complement: TAF4 is on the minus strand). VCF-style: chr20-62006620-T-C. GRCh37 (hg19) VCF-style: chr20-60581676-T-C.
Other names: short protein forms T705A.
Identifiers: ClinVar variation 3372405 (VCV003372405.1).
Genomic context (GRCh38, chr20:62,006,620, plus strand): 5'-TGAGGCTGAGCACAGGGGGCTGGAGGGCACTGGTCACGGTGGCCGCCGTCTTCCCGGCCG[T>C]GCGCTGGACCGAGCTACTCAGCACCACGGCCGTGAGCGCAGTGGTGGCCTGCGAGGTGGG-3'
Protein context (NP_003176.2, residues 695-715): AVVLSSSVQR[Thr705Ala]AGKTAATVTS

ClinVar aggregate classification (germline): Uncertain significance (1 of 4 stars; one submission).

Submission:

GeneDx
Classification: Uncertain significance. Last evaluated: 2024-04-10. Review status: criteria provided, single submitter. Criteria: GeneDx Variant Classification Process June 2021. Collection method: clinical testing. Allele origin: germline. Affected: yes.
Comment: Not observed at significant frequency in large population cohorts (gnomAD); In silico analysis indicates that this missense variant does not alter protein structure/function; Has not been previously published as pathogenic or benign to our knowledge